The following is an entry in ClinVar:

NM_001003694.2(BRPF1):c.1363C>T (p.Arg455Ter)

Gene: BRPF1 (bromodomain and PHD finger containing 1; plus strand). Cytogenetic location: 3p25.3.
Variant type: single nucleotide variant.
Coding change: c.1363C>T on transcript NM_001003694.2 (MANE Select); coding-DNA position 1363, C replaced by T.
Protein change: p.Arg455Ter; replaces arginine 455 with a stop codon.
Molecular consequence: nonsense. On other transcripts: non-coding transcript variant (1).
Genome position (GRCh38, 1-based): chr3:9,739,762, C>T. VCF-style: chr3-9739762-C-T. GRCh37 (hg19) VCF-style: chr3-9781446-C-T.
Other names: c.1363C>T, p.Arg455Ter (NM_001319049.2, NM_001319050.2, NM_004634.3); short protein forms R455*.
Identifiers: ClinVar variation 375485 (VCV000375485.26), dbSNP rs1057519510, ClinGen allele CA16044288.
Genomic context (GRCh38, chr3:9,739,762, plus strand): 5'-TCTTTCAGTGTCCGCAAGACAGCCTACTGCGACATCCACACGCCTCCAGGTTCAGCACGC[C>T]GACTGCCTGCCCTGTCCCACAGCGAGGGTGAGGAGGATGAAGATGAGGAGGAGGATGAGG-3'

ClinVar aggregate classification (germline): Pathogenic. Review status: criteria provided, multiple submitters, no conflicts (2 of 4 stars). 6 submissions from 6 submitters: Pathogenic (5). 1 of the submissions does not count toward it. Last evaluated 2025-09-29.

Conditions:
BRPF1-related disorder. Also called: BRPF1-related condition.
Intellectual developmental disorder with dysmorphic facies and ptosis (IDDDFP). Identifiers: Orphanet 698090, MedGen C4310617, MONDO:0015022, OMIM 617333.
Inborn genetic diseases. Identifiers: MedGen C0950123, MeSH D030342.

Submissions (6):

Institute of Human Genetics, FAU Erlangen, Friedrich-Alexander-Universität Erlangen-Nürnberg
Classification: Pathogenic for Intellectual developmental disorder with dysmorphic facies and ptosis. Last evaluated: 2025-09-29. Review status: criteria provided, single submitter. Criteria: Hauer et al. (Genet Med. 2018). Collection method: clinical testing. Allele origin: germline. Inheritance: Unknown mechanism. Affected: yes. Observed: 1 variant allele.
Comment: This variant has been identified by standard clinical testing. Selected ACMG criteria: Pathogenic (I):PP5;PM2;PVS1

GeneDx
Classification: Pathogenic. Last evaluated: 2025-08-25. Review status: criteria provided, single submitter. Criteria: GeneDx Variant Classification Process June 2021. Collection method: clinical testing. Allele origin: germline. Affected: yes.
Comment: Published functional studies demonstrate a damaging effect with this variant resulting in a truncated protein missing domain essential for ING5/MEAF6 binding, and results in decreased histone acetylation (PMID: 27939640, 32010779); Not observed at significant frequency in large population cohorts (gnomAD); This variant is associated with the following publications: (PMID: 27939640, 32010779, 36077605, 40593219)

CeGaT Center for Human Genetics Tuebingen
Classification: Pathogenic. Last evaluated: 2024-08-01. Review status: criteria provided, single submitter. Criteria: CeGaT Center For Human Genetics Tuebingen Variant Classification Criteria Version 2. Collection method: clinical testing. Allele origin: germline. Affected: yes. Observed: 2 variant alleles.
Comment: BRPF1: PVS1, PM2, PM6:Supporting, PS4:Supporting

Blueprint Genetics
Classification: Pathogenic for BRPF1-related disorders. Last evaluated: 2023-12-14. Review status: criteria provided, single submitter. Criteria: ACMG Guidelines, 2015. Collection method: clinical testing. Allele origin: germline. Affected: yes. Observed: 1 variant allele.

Ambry Genetics
Classification: Pathogenic for Inborn genetic diseases. Last evaluated: 2018-02-21. Review status: criteria provided, single submitter. Criteria: Ambry exome assertion method (8-5-2015). Collection method: clinical testing. Allele origin: germline. Affected: yes. Observed: 1 variant allele.

OMIM
Classification: Pathogenic for INTELLECTUAL DEVELOPMENTAL DISORDER WITH DYSMORPHIC FACIES AND PTOSIS. Last evaluated: 2017-02-09. Review status: no assertion criteria provided. Collection method: literature only. Allele origin: germline. Not counted in ClinVar's aggregate classification.

Literature cited by the submitters: PubMed 27939640 (cited by OMIM).